The following is an entry in ClinVar:

ClinVar aggregate classification (germline): Uncertain significance (1 of 4 stars; one submission).

Conditions:
Hereditary cancer-predisposing syndrome. Also called: Neoplastic Syndromes, Hereditary; Tumor predisposition; Hereditary neoplastic syndrome; Hereditary Cancer Syndrome. Identifiers: Orphanet 140162, MedGen C0027672, MeSH D009386, MONDO:0015356.

Submission:

Ambry Genetics
Classification: Uncertain significance for Hereditary cancer-predisposing syndrome. Last evaluated: 2024-03-10. Review status: criteria provided, single submitter. Criteria: Ambry Variant Classification Scheme 2023. Collection method: clinical testing. Allele origin: germline.
Comment: The p.L1874F variant (also known as c.5620C>T), located in coding exon 15 of the APC gene, results from a C to T substitution at nucleotide position 5620. The leucine at codon 1874 is replaced by phenylalanine, an amino acid with highly similar properties. This amino acid position is conserved. In addition, in silico predictors for this gene do not accurately predict pathogenicity. Based on the available evidence, the clinical significance of this alteration remains unclear.

NM_000038.6(APC):c.5620C>T (p.Leu1874Phe)

Gene: APC (APC regulator of Wnt signaling pathway; plus strand). Cytogenetic location: 5q22.2.
Variant type: single nucleotide variant.
Coding change: c.5620C>T on transcript NM_000038.6 (MANE Select); coding-DNA position 5620, C replaced by T.
Protein change: p.Leu1874Phe; replaces leucine 1874 with phenylalanine.
Molecular consequence: missense variant. On other transcripts: non-coding transcript variant (2).
Genome position (GRCh38, 1-based): chr5:112,841,214, C>T. VCF-style: chr5-112841214-C-T. GRCh37 (hg19) VCF-style: chr5-112176911-C-T.
Other names: c.5620C>T, p.Leu1874Phe (NM_001127510.3, NM_001354895.2, NM_001407450.1); c.5566C>T, p.Leu1856Phe (NM_001127511.3); c.5674C>T, p.Leu1892Phe (NM_001354896.2, NM_001407447.1, NM_001407448.1 and 1 more transcripts); c.5650C>T, p.Leu1884Phe (NM_001354897.2); c.5545C>T, p.Leu1849Phe (NM_001354898.2); c.5536C>T, p.Leu1846Phe (NM_001354899.2); c.5497C>T, p.Leu1833Phe (NM_001354900.2); c.5443C>T, p.Leu1815Phe (NM_001354901.2, NM_001407453.1); and 11 more; short protein forms L1490F, L1591F, L1714F, L1745F, L1748F, L1773F, L1783F, L1791F.
Identifiers: ClinVar variation 3230772 (VCV003230772.1), dbSNP rs1765994570, ClinGen allele CA16033634.